The following is an entry in ClinVar:

ClinVar aggregate classification (germline): Uncertain significance. Review status: criteria provided, multiple submitters, no conflicts (2 of 4 stars). 6 submissions from 6 submitters: Uncertain significance (6). Last evaluated 2026-04-09.

Conditions:
BSCL2-related Developmental and epileptic encephalopathy.
BSCL2-related disorder. Also called: BSCL2-Related Disorders; BSCL2-related condition.
Inborn genetic diseases. Identifiers: MedGen C0950123, MeSH D030342.
Charcot-Marie-Tooth disease type 2. Also called: Charcot-Marie-Tooth type 2. Identifiers: Orphanet 64746, MedGen C0270914, MONDO:0018993.

Allele frequency attached by ClinVar (database versions not stated): gnomAD exomes below 0.00001 and 0.00002; gnomAD 0.00001; TOPMed 0.00003.
gnomAD v4.1: 31 of 1,614,022 alleles (0.0019%); highest among the groups gnomAD compares: Middle Eastern, 0.017%; no homozygotes.

Submissions (6):

PreventionGenetics, part of Exact Sciences
Classification: Uncertain significance for BSCL2-related condition. Last evaluated: 2026-04-09. Review status: criteria provided, single submitter. Criteria: ACMG Guidelines, 2015. Collection method: clinical testing. Allele origin: germline.
Comment: The BSCL2 c.1354G>T variant is predicted to result in the amino acid substitution p.Ala452Ser. To our knowledge, this variant has not been reported in the literature. This variant is reported in 0.0029% of alleles in individuals of Latino descent in gnomAD. At this time, the clinical significance of this variant is uncertain due to the absence of conclusive functional and genetic evidence.

Labcorp Genetics (formerly Invitae), Labcorp
Classification: Uncertain significance for Charcot-Marie-Tooth disease type 2. Last evaluated: 2025-07-23. Review status: criteria provided, single submitter. Criteria: Invitae Variant Classification Sherloc (09022015). Collection method: clinical testing. Allele origin: germline.
Comment: This sequence change replaces alanine, which is neutral and non-polar, with serine, which is neutral and polar, at codon 388 of the BSCL2 protein (p.Ala388Ser). This variant is present in population databases (no rsID available, gnomAD 0.003%). This variant has not been reported in the literature in individuals affected with BSCL2-related conditions. ClinVar contains an entry for this variant (Variation ID: 411580). An algorithm developed to predict the effect of missense changes on protein structure and function outputs the following: PolyPhen-2: "Benign". The serine amino acid residue is found in multiple mammalian species, which suggests that this missense change does not adversely affect protein function. In summary, the available evidence is currently insufficient to determine the role of this variant in disease. Therefore, it has been classified as a Variant of Uncertain Significance.

Women's Health and Genetics/Laboratory Corporation of America, LabCorp
Classification: Uncertain significance. Last evaluated: 2025-03-11. Review status: criteria provided, single submitter. Criteria: LabCorp Variant Classification Summary - May 2015. Collection method: clinical testing. Allele origin: germline.
Comment: Variant summary: BSCL2 c.1162G>T (p.Ala388Ser) results in a conservative amino acid change in the encoded protein sequence. Five of five in-silico tools predict a benign effect of the variant on protein function. The variant allele was found at a frequency of 4e-06 in 251382 control chromosomes. The available data on variant occurrences in the general population are insufficient to allow any conclusion about variant significance. To our knowledge, no occurrence of c.1162G>T in individuals affected with BSCL2-related conditions and no experimental evidence demonstrating its impact on protein function have been reported. ClinVar contains an entry for this variant (Variation ID: 411580). Based on the evidence outlined above, the variant was classified as uncertain significance.

GeneDx
Classification: Uncertain significance. Last evaluated: 2022-01-14. Review status: criteria provided, single submitter. Criteria: GeneDx Variant Classification Process June 2021. Collection method: clinical testing. Allele origin: germline. Affected: yes.
Comment: Not observed at significant frequency in large population cohorts (gnomAD); In silico analysis supports that this missense variant does not alter protein structure/function; Has not been previously published as pathogenic or benign to our knowledge

Ambry Genetics
Classification: Uncertain significance for Inborn genetic diseases. Last evaluated: 2022-01-04. Review status: criteria provided, single submitter. Criteria: Ambry Variant Classification Scheme 2023. Collection method: clinical testing. Allele origin: germline.
Comment: The p.A388S variant (also known as c.1162G>T), located in coding exon 10 of the BSCL2 gene, results from a G to T substitution at nucleotide position 1162. The alanine at codon 388 is replaced by serine, an amino acid with similar properties. This amino acid position is conserved. In addition, this alteration is predicted to be tolerated by in silico analysis. Since supporting evidence is limited at this time, the clinical significance of this alteration remains unclear.

New York Genome Center
Classification: Uncertain significance for BSCL2-related Developmental and epileptic encephalopathy. Last evaluated: 2021-02-19. Review status: criteria provided, single submitter. Criteria: NYGC Assertion Criteria 2020. Collection method: clinical testing. Allele origin: inherited. Observed: 1 heterozygote. Study: CSER-NYCKidSeq.

NM_001122955.4(BSCL2):c.1354G>T (p.Ala452Ser)

Genes: HNRNPUL2-BSCL2 (HNRNPUL2-BSCL2 readthrough (NMD candidate); minus strand), BSCL2 (BSCL2 lipid droplet biogenesis associated, seipin; minus strand). Cytogenetic location: 11q12.3.
Variant type: single nucleotide variant.
Coding change: c.1354G>T on transcript NM_001122955.4 (MANE Select); coding-DNA position 1354, G replaced by T.
Protein change: p.Ala452Ser; replaces alanine 452 with serine.
Molecular consequence: missense variant. On other transcripts: non-coding transcript variant (1), 3 prime UTR variant (1).
Genome position (GRCh38, 1-based): chr11:62,690,402, C>A on the plus strand (G>T on the coding strand, the complement: BSCL2 is on the minus strand). VCF-style: chr11-62690402-C-A. GRCh37 (hg19) VCF-style: chr11-62457874-C-A.
Other names: c.1354G>T (NM_001122955.3); c.*156G>T (NM_001130702.2); c.1360G>T, p.Ala454Ser (NM_001386027.1); c.1354G>T, p.Ala452Ser (NM_001386028.1); c.1162G>T, p.Ala388Ser (NM_032667.6); short protein forms A452S, A388S, A454S.
Identifiers: ClinVar variation 411580 (VCV000411580.16), dbSNP rs1060503382, ClinGen allele CA16613434.